The following is an entry in ClinVar:

ClinVar aggregate classification (germline): Likely pathogenic (1 of 4 stars; one submission).

Conditions:
Long QT syndrome 2 (LQT2). Identifiers: Orphanet 101016, Orphanet 768, MedGen C3150943, MONDO:0013367, OMIM 613688.

Submission:

Rare Disease Center, Seoul National University Hospital
Classification: Likely pathogenic for Long QT syndrome 2. Last evaluated: 2026-06-15. Review status: criteria provided, single submitter. Criteria: ACMG Guidelines, 2015. Collection method: research. Allele origin: maternal. Inheritance: Autosomal dominant inheritance.
Comment: This variant is classified as Likely Pathogenic based on the ACMG/AMP criteria (PM2, PP2, PP3). Synonymous variant causing aberrant splicing was previously reported (PMID: 20890437).

NM_000238.4(KCNH2):c.2109C>A (p.His703Gln)

Gene: KCNH2 (potassium voltage-gated channel subfamily H member 2; minus strand). Cytogenetic location: 7q36.1.
Variant type: single nucleotide variant.
Coding change: c.2109C>A on transcript NM_000238.4 (MANE Select); coding-DNA position 2109, C replaced by A.
Protein change: p.His703Gln; replaces histidine 703 with glutamine.
Molecular consequence: missense variant. On other transcripts: non-coding transcript variant (2).
Genome position (GRCh38, 1-based): chr7:150,950,957, G>T on the plus strand (C>A on the coding strand, the complement: KCNH2 is on the minus strand). VCF-style: chr7-150950957-G-T. GRCh37 (hg19) VCF-style: chr7-150648045-G-T.
Other names: c.1089C>A, p.His363Gln (NM_001204798.2, NM_172057.3); c.1821C>A, p.His607Gln (NM_001406753.1, NM_001406756.1); c.1932C>A, p.His644Gln (NM_001406755.1); c.1809C>A, p.His603Gln (NM_001406757.1); c.2109C>A, p.His703Gln (NM_172056.3); short protein forms H363Q, H603Q, H607Q, H644Q, H703Q.
Identifiers: ClinVar variation 4975026 (VCV004975026.1).